The following is an entry in ClinVar:

ClinVar aggregate classification (germline): Uncertain significance. Review status: criteria provided, multiple submitters, no conflicts (2 of 4 stars). 2 submissions from 2 submitters: Uncertain significance (2). Last evaluated 2026-02-01.

Conditions:
Immunodeficiency, common variable, 12 (CVID12). Also called: NFKB1 DEFICIENCY; IMMUNODEFICIENCY, COMMON VARIABLE, 12, WITH AUTOIMMUNITY. Identifiers: Orphanet 1572, Orphanet 696874, MedGen C4225277, MONDO:0014697, OMIM 616576.

Allele frequency attached by ClinVar (database versions not stated): ExAC 0.00004; gnomAD 0.00011 and 0.00010; ESP Exome Variant Server 0.00008; gnomAD exomes 0.00002 and 0.00004; TOPMed 0.00012.
gnomAD v4.1: 50 of 1,613,594 alleles (0.0031%); highest among the groups gnomAD compares: African/African-American, 0.027%; no homozygotes.

Submissions (2):

Labcorp Genetics (formerly Invitae), Labcorp
Classification: Uncertain significance. Last evaluated: 2026-02-01. Review status: criteria provided, single submitter. Criteria: Invitae Variant Classification Sherloc (09022015). Collection method: clinical testing. Allele origin: germline.
Comment: This sequence change replaces glycine, which is neutral and non-polar, with serine, which is neutral and polar, at codon 376 of the NFKB1 protein (p.Gly376Ser). This variant is present in population databases (rs150233754, gnomAD 0.02%). This variant has not been reported in the literature in individuals affected with NFKB1-related conditions. ClinVar contains an entry for this variant (Variation ID: 1408733). Invitae Evidence Modeling of protein sequence and biophysical properties (such as structural, functional, and spatial information, amino acid conservation, physicochemical variation, residue mobility, and thermodynamic stability) indicates that this missense variant is not expected to disrupt NFKB1 protein function with a negative predictive value of 80%. Experimental studies have shown that this missense change does not substantially affect NFKB1 function (PMID: 36105815). In summary, the available evidence is currently insufficient to determine the role of this variant in disease. Therefore, it has been classified as a Variant of Uncertain Significance.

Fulgent Genetics
Classification: Uncertain significance for Immunodeficiency, common variable, 12. Last evaluated: 2022-04-19. Review status: criteria provided, single submitter. Criteria: ACMG Guidelines, 2015. Collection method: clinical testing. Allele origin: unknown.

Literature cited by the submitters: PubMed 36105815 (cited by Labcorp Genetics (formerly Invitae), Labcorp).

NM_003998.4(NFKB1):c.1126G>A (p.Gly376Ser)

Gene: NFKB1 (nuclear factor kappa B subunit 1; plus strand). Cytogenetic location: 4q24.
Variant type: single nucleotide variant.
Coding change: c.1126G>A on transcript NM_003998.4 (MANE Select); coding-DNA position 1126, G replaced by A.
Protein change: p.Gly376Ser; replaces glycine 376 with serine.
Molecular consequence: missense variant.
Genome position (GRCh38, 1-based): chr4:102,593,484, G>A. VCF-style: chr4-102593484-G-A. GRCh37 (hg19) VCF-style: chr4-103514641-G-A.
Other names: c.1123G>A, p.Gly375Ser (NM_001165412.2, NM_001319226.2, NM_001382627.1); c.1126G>A, p.Gly376Ser (NM_001382625.1, NM_001382626.1); c.1084G>A, p.Gly362Ser (NM_001382628.1); short protein forms G362S, G375S, G376S.
Identifiers: ClinVar variation 1408733 (VCV001408733.9), dbSNP rs150233754, ClinGen allele CA3026069.